The following is an entry in ClinVar:

ClinVar aggregate classification (germline): Uncertain significance. Review status: criteria provided, multiple submitters, no conflicts (2 of 4 stars). 2 submissions from 2 submitters: Uncertain significance (2). Last evaluated 2025-10-18.

Conditions:
Hyper-IgM syndrome type 1. Also called: Hyper-IgM Immunodeficiency Syndrome, Type 1; Immunodeficiency, X-linked, with hyper-IgM; CD40 Ligand Deficiency; X-linked hyper-IgM syndrome. Identifiers: Orphanet 101088, MedGen C0398689, MONDO:0010626, OMIM 308230.

Allele frequency attached by ClinVar (database versions not stated): gnomAD 0.00001; TOPMed 0.00001.
gnomAD v4.1: 6 of 1,200,822 alleles (0.0005%); highest among the groups gnomAD compares: Non-Finnish European, 0.00068%; no homozygotes.

Submissions (2):

Labcorp Genetics (formerly Invitae), Labcorp
Classification: Uncertain significance for Hyper-IgM syndrome type 1. Last evaluated: 2025-10-18. Review status: criteria provided, single submitter. Criteria: Invitae Variant Classification Sherloc (09022015). Collection method: clinical testing. Allele origin: germline.
Comment: This sequence change falls in intron 2 of the CD40LG gene. It does not directly change the encoded amino acid sequence of the CD40LG protein. It affects a nucleotide within the consensus splice site. This variant is not present in population databases (gnomAD no frequency). This variant has not been reported in the literature in individuals affected with CD40LG-related conditions. ClinVar contains an entry for this variant (Variation ID: 1060248). Variants that disrupt the consensus splice site are a relatively common cause of aberrant splicing (PMID: 17576681, 9536098). Algorithms developed to predict the effect of sequence changes on RNA splicing suggest that this variant is not likely to affect RNA splicing. In summary, the available evidence is currently insufficient to determine the role of this variant in disease. Therefore, it has been classified as a Variant of Uncertain Significance.

Blueprint Genetics
Classification: Uncertain significance. Last evaluated: 2019-10-08. Review status: criteria provided, single submitter. Criteria: ACMG Guidelines, 2015. Collection method: clinical testing. Allele origin: germline.

Literature cited by the submitters: PubMed 17576681 (cited by Labcorp Genetics (formerly Invitae), Labcorp); PubMed 9536098 (cited by Labcorp Genetics (formerly Invitae), Labcorp).

NM_000074.3(CD40LG):c.288+6C>T

Gene: CD40LG (CD40 ligand; plus strand). Cytogenetic location: Xq26.3.
Variant type: single nucleotide variant.
Coding change: c.288+6C>T on transcript NM_000074.3 (MANE Select); 6 bases into the intron after coding-DNA position 288, C replaced by T.
Molecular consequence: intron variant.
Genome position (GRCh38, 1-based): chrX:136,650,403, C>T. VCF-style: chrX-136650403-C-T. GRCh37 (hg19) VCF-style: chrX-135732562-C-T.
Identifiers: ClinVar variation 1060248 (VCV001060248.10), dbSNP rs773041323, ClinGen allele CA871927141.